The following is an entry in ClinVar:

ClinVar aggregate classification (germline): Uncertain significance (1 of 4 stars; one submission).

Allele frequency attached by ClinVar (database versions not stated): ExAC 0.00001; gnomAD 0.00001; gnomAD exomes 0.00001; TOPMed 0.00001.
gnomAD v4.1: 13 of 1,612,520 alleles (0.00081%); highest among the groups gnomAD compares: Admixed American, 0.005%; no homozygotes.

Submission:

Labcorp Genetics (formerly Invitae), Labcorp
Classification: Uncertain significance. Last evaluated: 2021-09-02. Review status: criteria provided, single submitter. Criteria: Invitae Variant Classification Sherloc (09022015). Collection method: clinical testing. Allele origin: germline.
Comment: In summary, the available evidence is currently insufficient to determine the role of this variant in disease. Therefore, it has been classified as a Variant of Uncertain Significance. Algorithms developed to predict the effect of missense changes on protein structure and function are either unavailable or do not agree on the potential impact of this missense change (SIFT: "Tolerated"; PolyPhen-2: "Probably Damaging"; Align-GVGD: "Class C0"). This variant has not been reported in the literature in individuals affected with FGFR3-related conditions. This variant is present in population databases (rs755133781, ExAC 0.002%). This sequence change replaces glutamic acid with glycine at codon 709 of the FGFR3 protein (p.Glu709Gly). The glutamic acid residue is highly conserved and there is a moderate physicochemical difference between glutamic acid and glycine.

NM_000142.5(FGFR3):c.2126A>G (p.Glu709Gly)

Gene: FGFR3 (fibroblast growth factor receptor 3; plus strand). Cytogenetic location: 4p16.3.
Variant type: single nucleotide variant.
Coding change: c.2126A>G on transcript NM_000142.5 (MANE Select); coding-DNA position 2126, A replaced by G.
Protein change: p.Glu709Gly; replaces glutamic acid 709 with glycine.
Molecular consequence: missense variant. On other transcripts: synonymous variant (1), non-coding transcript variant (1).
Genome position (GRCh38, 1-based): chr4:1,806,641, A>G. VCF-style: chr4-1806641-A-G. GRCh37 (hg19) VCF-style: chr4-1808368-A-G.
Other names: c.2132A>G, p.Glu711Gly (NM_001163213.2); c.2129A>G, p.Glu710Gly (NM_001354809.2); c.2058A>G, p.Gly686= (NM_001354810.2); c.1790A>G, p.Glu597Gly (NM_022965.4); short protein forms E597G, E709G, E710G, E711G.
Identifiers: ClinVar variation 1680124 (VCV001680124.6), dbSNP rs755133781, ClinGen allele CA2810725.